The following is an entry in ClinVar:

ClinVar aggregate classification (germline): Conflicting classifications of pathogenicity. Review status: criteria provided, conflicting classifications (1 of 4 stars). 3 submissions from 3 submitters: Uncertain significance (2); Likely benign (1). Last evaluated 2024-09-10.

Conditions:
Inborn genetic diseases. Identifiers: MedGen C0950123, MeSH D030342.
Cone-rod dystrophy 6 (CORD6). Also called: Cone dystrophy progressive; RETINAL CONE DYSTROPHY 2. Identifiers: Orphanet 1872, MedGen C1866293, MONDO:0011143, OMIM 601777.
Leber congenital amaurosis 1 (LCA1). Also called: RETINAL BLINDNESS, CONGENITAL; AMAUROSIS CONGENITA OF LEBER I; Congenital absence of the rods and cones; Leber's congenital tapetoretinal degeneration; Leber's congenital tapetoretinal dysplasia. Identifiers: Orphanet 65, MedGen C2931258, MONDO:0008764, OMIM 204000.

Allele frequency attached by ClinVar (database versions not stated): ExAC 0.00001; gnomAD exomes 0.00001; 1000 Genomes Project 30x 0.00016; 1000 Genomes Project 0.00020.
gnomAD v4.1: 16 of 1,607,658 alleles (0.001%); highest among the groups gnomAD compares: South Asian, 0.0022%; no homozygotes.

Submissions (3):

Labcorp Genetics (formerly Invitae), Labcorp
Classification: Uncertain significance for Leber congenital amaurosis 1; Cone-rod dystrophy 6. Last evaluated: 2024-09-10. Review status: criteria provided, single submitter. Criteria: Invitae Variant Classification Sherloc (09022015). Collection method: clinical testing. Allele origin: germline.
Comment: This sequence change replaces arginine, which is basic and polar, with tryptophan, which is neutral and slightly polar, at codon 383 of the GUCY2D protein (p.Arg383Trp). The frequency data for this variant in the population databases is considered unreliable, as metrics indicate poor data quality at this position in the gnomAD database. This variant has not been reported in the literature in individuals affected with GUCY2D-related conditions. ClinVar contains an entry for this variant (Variation ID: 838740). Invitae Evidence Modeling of protein sequence and biophysical properties (such as structural, functional, and spatial information, amino acid conservation, physicochemical variation, residue mobility, and thermodynamic stability) indicates that this missense variant is not expected to disrupt GUCY2D protein function with a negative predictive value of 80%. In summary, the available evidence is currently insufficient to determine the role of this variant in disease. Therefore, it has been classified as a Variant of Uncertain Significance.

Ambry Genetics
Classification: Likely benign for Inborn genetic diseases. Last evaluated: 2024-01-29. Review status: criteria provided, single submitter. Criteria: Ambry Variant Classification Scheme 2023. Collection method: clinical testing. Allele origin: germline.

Blueprint Genetics
Classification: Uncertain significance. Last evaluated: 2022-06-01. Review status: criteria provided, single submitter. Criteria: ACMG Guidelines, 2015. Collection method: clinical testing. Allele origin: germline.

NM_000180.4(GUCY2D):c.1147C>T (p.Arg383Trp)

Gene: GUCY2D (guanylate cyclase 2D, retinal; plus strand). Cytogenetic location: 17p13.1.
Variant type: single nucleotide variant.
Coding change: c.1147C>T on transcript NM_000180.4 (MANE Select); coding-DNA position 1147, C replaced by T.
Protein change: p.Arg383Trp; replaces arginine 383 with tryptophan.
Molecular consequence: missense variant.
Genome position (GRCh38, 1-based): chr17:8,006,483, C>T. VCF-style: chr17-8006483-C-T. GRCh37 (hg19) VCF-style: chr17-7909801-C-T.
Other names: short protein forms R383W.
Identifiers: ClinVar variation 838740 (VCV000838740.9), dbSNP rs545271894, ClinGen allele CA8365665.
Genomic context (GRCh38, chr17:8,006,483, plus strand): 5'-GAAGCGCGGGCTGCCGCAGGTGGCAGATGGGTGTCCGGAGCAGCTGTGGCCCGCCACATC[C>T]GGGATGCGCAGGTCCCTGGCTTCTGCGGGGACCTAGGAGGAGACGAGGAGCCCCCATTCG-3'
Protein context (NP_000171.1, residues 373-393): VSGAAVARHI[Arg383Trp]DAQVPGFCGD